The following is an entry in ClinVar:

NM_139276.3(STAT3):c.1600+5_1600+6delinsTT

Gene: STAT3 (signal transducer and activator of transcription 3; minus strand). Cytogenetic location: 17q21.2.
Variant type: Indel.
Coding change: c.1600+5_1600+6delinsTT on transcript NM_139276.3 (MANE Select); bases 5 to 6 of the intron after coding-DNA position 1600, GC replaced by TT.
Molecular consequence: intron variant.
Genome position (GRCh38, 1-based): chr17:42,324,705-42,324,706, GC replaced by AA on the plus strand (GC replaced by TT on the coding strand, the reverse complement: STAT3 is on the minus strand). VCF-style: chr17-42324705-GC-AA. GRCh37 (hg19) VCF-style: chr17-40476723-GC-AA.
Other names: c.1504+5_1504+6delinsTT (NM_001384989.1); c.1540+5_1540+6delinsTT (NM_001384992.1); c.1516+5_1516+6delinsTT (NM_001384984.1); c.1600+5_1600+6delinsTT (NM_001369519.1, NM_003150.4, NM_001369517.1 and 10 more transcripts); c.1522+5_1522+6delinsTT (NM_001384985.1); c.1579+5_1579+6delinsTT (NM_001384987.1); c.1615+5_1615+6delinsTT (NM_001384986.1, NM_001384990.1).
Identifiers: ClinVar variation 4786043 (VCV004786043.1).

ClinVar aggregate classification (germline): Uncertain significance (1 of 4 stars; one submission).

Conditions:
STAT3 gain of function. Identifiers: MedGen C4288261.
Hyper-IgE recurrent infection syndrome 1, autosomal dominant. Also called: JOB SYNDROME; Job's Syndrome; STAT3 Hyper IgE Syndrome; Hyper-IgE recurrent infection syndrome 1; HYPER-IgE SYNDROME 1, AUTOSOMAL DOMINANT, WITH RECURRENT INFECTIONS. Identifiers: Orphanet 2314, MedGen C2936739, MONDO:0007818, OMIM 147060.

Submission:

Labcorp Genetics (formerly Invitae), Labcorp
Classification: Uncertain significance for STAT3 gain of function; Hyper-IgE recurrent infection syndrome 1, autosomal dominant. Last evaluated: 2025-09-03. Review status: criteria provided, single submitter. Criteria: Invitae Variant Classification Sherloc (09022015). Collection method: clinical testing. Allele origin: germline.
Comment: This sequence change falls in intron 17 of the STAT3 gene. It does not directly change the encoded amino acid sequence of the STAT3 protein. It affects a nucleotide within the consensus splice site. Information on the frequency of this variant in the gnomAD database is not available, as this variant may be reported differently in the database. This variant has not been reported in the literature in individuals affected with STAT3-related conditions. Variants that disrupt the consensus splice site are a relatively common cause of aberrant splicing (PMID: 17576681, 9536098). Experimental studies and prediction algorithms are not available or were not evaluated, and the effect of this variant on mRNA splicing is currently unknown. In summary, the available evidence is currently insufficient to determine the role of this variant in disease. Therefore, it has been classified as a Variant of Uncertain Significance.

Literature cited by the submitters: PubMed 17576681; PubMed 9536098.